The following is an entry in ClinVar:

ClinVar aggregate classification (germline): Uncertain significance. Review status: criteria provided, multiple submitters, no conflicts (2 of 4 stars). 4 submissions from 4 submitters: Uncertain significance (4). Last evaluated 2025-04-03.

Conditions:
Glycosylphosphatidylinositol biosynthesis defect 15. Also called: DEVELOPMENTAL DELAY, EPILEPSY, CEREBELLAR ATROPHY, AND OSTEOPENIA. Identifiers: Orphanet 529665, MedGen C4540520, MONDO:0060627, OMIM 617810.

Allele frequency attached by ClinVar (database versions not stated): 1000 Genomes Project 30x 0.00016; ExAC 0.00016; gnomAD exomes 0.00018; gnomAD 0.00026 and 0.00021; 1000 Genomes Project 0.00020; ESP Exome Variant Server 0.00023; TOPMed 0.00031.

Submissions (4):

Mayo Clinic Laboratories, Mayo Clinic
Classification: Uncertain significance. Last evaluated: 2025-04-03. Review status: criteria provided, single submitter. Criteria: ACMG Guidelines, 2015. Collection method: clinical testing. Allele origin: germline. Observed: 1 variant allele.
Comment: BP4_moderate

Labcorp Genetics (formerly Invitae), Labcorp
Classification: Uncertain significance. Last evaluated: 2022-09-07. Review status: criteria provided, single submitter. Criteria: Invitae Variant Classification Sherloc (09022015). Collection method: clinical testing. Allele origin: germline.
Comment: This sequence change replaces glycine, which is neutral and non-polar, with glutamic acid, which is acidic and polar, at codon 423 of the GPAA1 protein (p.Gly423Glu). This variant is present in population databases (rs200528951, gnomAD 0.04%). This variant has not been reported in the literature in individuals affected with GPAA1-related conditions. ClinVar contains an entry for this variant (Variation ID: 1034025). Algorithms developed to predict the effect of missense changes on protein structure and function (SIFT, PolyPhen-2, Align-GVGD) all suggest that this variant is likely to be tolerated. Algorithms developed to predict the effect of sequence changes on RNA splicing suggest that this variant may disrupt the consensus splice site. In summary, the available evidence is currently insufficient to determine the role of this variant in disease. Therefore, it has been classified as a Variant of Uncertain Significance.

GeneDx
Classification: Uncertain significance. Last evaluated: 2022-01-22. Review status: criteria provided, single submitter. Criteria: GeneDx Variant Classification Process June 2021. Collection method: clinical testing. Allele origin: germline. Affected: yes.
Comment: Has not been previously published as pathogenic or benign to our knowledge; In silico analysis supports that this missense variant does not alter protein structure/function

Baylor Genetics
Classification: Uncertain significance for Glycosylphosphatidylinositol biosynthesis defect 15. Last evaluated: 2018-08-17. Review status: criteria provided, single submitter. Criteria: ACMG Guidelines, 2015. Collection method: clinical testing. Allele origin: unknown. Affected: yes.
Comment: This variant was determined to be of uncertain significance according to ACMG Guidelines, 2015 [PMID:25741868].

NM_003801.4(GPAA1):c.1268G>A (p.Gly423Glu)

Gene: GPAA1 (glycosylphosphatidylinositol anchor attachment 1; plus strand). Cytogenetic location: 8q24.3.
Variant type: single nucleotide variant.
Coding change: c.1268G>A on transcript NM_003801.4 (MANE Select); coding-DNA position 1268, G replaced by A.
Protein change: p.Gly423Glu; replaces glycine 423 with glutamic acid.
Molecular consequence: missense variant.
Genome position (GRCh38, 1-based): chr8:144,085,296, G>A. VCF-style: chr8-144085296-G-A. GRCh37 (hg19) VCF-style: chr8-145140199-G-A.
Other names: p.Gly423Glu; short protein forms G423E.
Identifiers: ClinVar variation 1034025 (VCV001034025.6), dbSNP rs200528951, ClinGen allele CA4933127.